The following is an entry in ClinVar:

NM_000143.4(FH):c.1237-18T>A

Gene: FH (fumarate hydratase; minus strand). Cytogenetic location: 1q43.
Variant type: single nucleotide variant.
Coding change: c.1237-18T>A on transcript NM_000143.4 (MANE Select); 18 bases into the intron before coding-DNA position 1237, T replaced by A.
Molecular consequence: intron variant.
Genome position (GRCh38, 1-based): chr1:241,500,608, A>T on the plus strand (T>A on the coding strand, the complement: FH is on the minus strand). VCF-style: chr1-241500608-A-T. GRCh37 (hg19) VCF-style: chr1-241663908-A-T.
Other names: NC_000001.10:g.241663908A>T.
Identifiers: ClinVar variation 214370 (VCV000214370.26), dbSNP rs202206776, ClinGen allele CA322224.

ClinVar aggregate classification (germline): Benign/Likely benign. Review status: criteria provided, multiple submitters, no conflicts (2 of 4 stars). 2 submissions from 2 submitters: Benign (1); Likely benign (1). Last evaluated 2022-12-01.

Allele frequency attached by ClinVar (database versions not stated): gnomAD exomes below 0.00001 and 0.00128; TOPMed 0.00002.

Submissions (3):

CeGaT Center for Human Genetics Tuebingen
Classification: Likely benign. Last evaluated: 2022-12-01. Review status: criteria provided, single submitter. Criteria: CeGaT Center For Human Genetics Tuebingen Variant Classification Criteria Version 2. Collection method: clinical testing. Allele origin: germline. Affected: yes. Observed: 1 variant allele.
Comment: FH: BS2

GeneDx
Classification: Benign. Last evaluated: 2012-07-18. Review status: criteria provided, single submitter. Criteria: GeneDx Variant Classification (06012015). Collection method: clinical testing. Allele origin: germline. Affected: yes.
Comment: This variant is considered likely benign or benign based on one or more of the following criteria: it is a conservative change, it occurs at a poorly conserved position in the protein, it is predicted to be benign by multiple in silico algorithms, and/or has population frequency not consistent with disease.

Dr. Peter K. Rogan Lab, Western University
No classification provided (evidence only). Condition: Hepatocellular carcinoma. Review status: no classification provided. Collection method: in vitro. Allele origin: not applicable. Functional consequence: retained intron. Not counted in ClinVar's aggregate classification.